The following is an entry in ClinVar:

NM_052844.4(DYNC2I2):c.158G>A (p.Arg53Lys)

Gene: DYNC2I2 (dynein 2 intermediate chain 2; minus strand). Cytogenetic location: 9q34.11.
Variant type: single nucleotide variant.
Coding change: c.158G>A on transcript NM_052844.4 (MANE Select); coding-DNA position 158, G replaced by A.
Protein change: p.Arg53Lys; replaces arginine 53 with lysine.
Molecular consequence: missense variant.
Genome position (GRCh38, 1-based): chr9:128,656,569, C>T on the plus strand (G>A on the coding strand, the complement: DYNC2I2 is on the minus strand). VCF-style: chr9-128656569-C-T. GRCh37 (hg19) VCF-style: chr9-131418848-C-T.
Other names: short protein forms R53K.
Identifiers: ClinVar variation 2160373 (VCV002160373.4), dbSNP rs1020124481, ClinGen allele CA200386151.

ClinVar aggregate classification (germline): Uncertain significance (1 of 4 stars; one submission).

Conditions:
Short-rib thoracic dysplasia 11 with or without polydactyly (SRTD11). Also called: SHORT-RIB THORACIC DYSPLASIA 11 WITHOUT POLYDACTYLY. Identifiers: Orphanet 474, Orphanet 93271, MedGen C3810200, MONDO:0014287, OMIM 615633.

Submission:

Labcorp Genetics (formerly Invitae), Labcorp
Classification: Uncertain significance for Short-rib thoracic dysplasia 11 with or without polydactyly. Last evaluated: 2022-02-20. Review status: criteria provided, single submitter. Criteria: Invitae Variant Classification Sherloc (09022015). Collection method: clinical testing. Allele origin: germline.
Comment: This sequence change replaces arginine, which is basic and polar, with lysine, which is basic and polar, at codon 53 of the WDR34 protein (p.Arg53Lys). This variant is not present in population databases (gnomAD no frequency). This variant has not been reported in the literature in individuals affected with WDR34-related conditions. Algorithms developed to predict the effect of missense changes on protein structure and function are either unavailable or do not agree on the potential impact of this missense change (SIFT: "Deleterious"; PolyPhen-2: "Benign"; Align-GVGD: "Class C0"). In summary, the available evidence is currently insufficient to determine the role of this variant in disease. Therefore, it has been classified as a Variant of Uncertain Significance.